The following is an entry in ClinVar:

NM_000138.5(FBN1):c.6296G>A (p.Cys2099Tyr)

Gene: FBN1 (fibrillin 1; minus strand). Cytogenetic location: 15q21.1.
Variant type: single nucleotide variant.
Coding change: c.6296G>A on transcript NM_000138.5 (MANE Select); coding-DNA position 6296, G replaced by A.
Protein change: p.Cys2099Tyr; replaces cysteine 2099 with tyrosine.
Molecular consequence: missense variant.
Genome position (GRCh38, 1-based): chr15:48,437,785, C>T on the plus strand (G>A on the coding strand, the complement: FBN1 is on the minus strand). VCF-style: chr15-48437785-C-T. GRCh37 (hg19) VCF-style: chr15-48729982-C-T.
Other names: short protein forms C2099Y.
Identifiers: ClinVar variation 855800 (VCV000855800.10), dbSNP rs1131691803, ClinGen allele CA392336921.

ClinVar aggregate classification (germline): Pathogenic/Likely pathogenic. Review status: criteria provided, multiple submitters, no conflicts (2 of 4 stars). 2 submissions from 2 submitters: Pathogenic (1); Likely pathogenic (1). Last evaluated 2025-06-18.

Conditions:
Marfan syndrome (MFS). Also called: FBN1-Related Marfan Syndrome; Marfan's syndrome; MARFAN SYNDROME, TYPE I; Marfan syndrome type 1; Marfan syndrome, classic. Identifiers: Orphanet 284963, Orphanet 558, MedGen C0024796, MONDO:0007947, OMIM 154700.
Familial thoracic aortic aneurysm and aortic dissection (TAAD). Also called: Thoracic aortic aneurysms and dissections. Identifiers: Orphanet 91387, MedGen C4707243, MONDO:0019625.

Submissions (2):

3billion
Classification: Likely pathogenic for Marfan syndrome. Last evaluated: 2025-06-18. Review status: criteria provided, single submitter. Criteria: ACMG Guidelines, 2015. Collection method: clinical testing. Allele origin: germline. Affected: yes.
Comment: The variant is not observed in the gnomAD v4.1.0 dataset. Predicted Consequence/Location: Missense variant In silico tool predictions suggest damaging effect of the variant on gene or gene product [REVEL: 0.85 (>=0.6, sensitivity 0.68 and specificity 0.92); 3Cnet: 0.94 (> 0.75, sensitivity 0.96 and precision 0.92)]. The same nucleotide change resulting in the same amino acid change has been previously reported to be associated with FBN1-related disorder (ClinVar ID: VCV000855800 /PMID: 19293843).Different missense changes at the same codon (p.Cys2099Arg, p.Cys2099Phe, p.Cys2099Trp) have been reported as pathogenic/likely pathogenic with strong evidence (ClinVar ID: VCV000430149, VCV002137682 /PMID: 21907952, 27906200, 9338581). Therefore, this variant is classified as Likely pathogenic according to the recommendation of ACMG/AMP guideline.

Labcorp Genetics (formerly Invitae), Labcorp
Classification: Pathogenic for Marfan syndrome; Familial thoracic aortic aneurysm and aortic dissection. Last evaluated: 2019-02-21. Review status: criteria provided, single submitter. Criteria: Invitae Variant Classification Sherloc (09022015). Collection method: clinical testing. Allele origin: germline.
Comment: For these reasons, this variant has been classified as Pathogenic. This variant affects a cysteine residue in the EGF-like, TGFBP or hybrid motif domains of FBN1. Cysteine residues are believed to be involved in intramolecular disulfide bridges and have been shown to be important for FBN1 protein structure (PMID: 16905551, 19349279). In addition, missense substitutions affecting cysteine residues within these domains are significantly overrepresented among patients with Marfan syndrome (PMID: 16571647, 17701892). This variant has been observed in individuals affected with Marfan syndrome or aortic disease (PMID: 19293843, 27611364). This variant is not present in population databases (ExAC no frequency). This sequence change replaces cysteine with tyrosine at codon 2099 of the FBN1 protein (p.Cys2099Tyr). The cysteine residue is highly conserved and there is a large physicochemical difference between cysteine and tyrosine.

Literature cited by the submitters: PubMed 19293843 (cited by 3billion and Labcorp Genetics (formerly Invitae), Labcorp); PubMed 21907952 (cited by 3billion); PubMed 16905551 (cited by Labcorp Genetics (formerly Invitae), Labcorp); PubMed 19349279 (cited by Labcorp Genetics (formerly Invitae), Labcorp); PubMed 16571647 (cited by Labcorp Genetics (formerly Invitae), Labcorp); PubMed 17701892 (cited by Labcorp Genetics (formerly Invitae), Labcorp); PubMed 27611364 (cited by Labcorp Genetics (formerly Invitae), Labcorp).